The following is an entry in ClinVar:

ClinVar aggregate classification (germline): Likely benign. Review status: criteria provided, multiple submitters, no conflicts (2 of 4 stars). 2 submissions from 2 submitters: Likely benign (2). Last evaluated 2025-07-23.

Conditions:
Hyperphosphatasia with impaired intellectual development syndrome 2. Also called: Hyperphosphatasia with intellectual disability syndrome 2; GLYCOSYLPHOSPHATIDYLINOSITOL BIOSYNTHESIS DEFECT 6. Identifiers: Orphanet 247262, MedGen C3553637, MONDO:0013882, OMIM 614749.

Allele frequency attached by ClinVar (database versions not stated): gnomAD exomes 0.00001; TOPMed below 0.00001; ExAC 0.00001.

Submissions (2):

Labcorp Genetics (formerly Invitae), Labcorp
Classification: Likely benign for Hyperphosphatasia with impaired intellectual development syndrome 2. Last evaluated: 2025-07-23. Review status: criteria provided, single submitter. Criteria: Invitae Variant Classification Sherloc (09022015). Collection method: clinical testing. Allele origin: germline.

CeGaT Center for Human Genetics Tuebingen
Classification: Likely benign. Last evaluated: 2024-06-01. Review status: criteria provided, single submitter. Criteria: CeGaT Center For Human Genetics Tuebingen Variant Classification Criteria Version 2. Collection method: clinical testing. Allele origin: germline. Affected: yes. Observed: 1 variant allele.
Comment: PIGO: BP4, BP7

NM_032634.4(PIGO):c.2673A>G (p.Ala891=)

Gene: PIGO (phosphatidylinositol glycan anchor biosynthesis class O; minus strand). Cytogenetic location: 9p13.3.
Variant type: single nucleotide variant.
Coding change: c.2673A>G on transcript NM_032634.4 (MANE Select); coding-DNA position 2673, A replaced by G.
Protein change: p.Ala891=; no amino-acid change (alanine 891 retained).
Molecular consequence: synonymous variant.
Genome position (GRCh38, 1-based): chr9:35,090,647, T>C on the plus strand (A>G on the coding strand, the complement: PIGO is on the minus strand). VCF-style: chr9-35090647-T-C. GRCh37 (hg19) VCF-style: chr9-35090644-T-C.
Other names: c.1422A>G, p.Ala474= (NM_001201484.2, NM_152850.4).
Identifiers: ClinVar variation 1109965 (VCV001109965.27), dbSNP rs754462625, ClinGen allele CA5040362.